The following is an entry in ClinVar:

ClinVar aggregate classification (germline): Uncertain significance. Review status: criteria provided, single submitter (1 of 4 stars). 3 submissions from 3 submitters: Uncertain significance (1). 2 of the submissions do not count toward it. Last evaluated 2023-02-06.

Conditions:
Congenital anomaly of kidney and urinary tract. Also called: Congenital anomalies of kidney and urinary tract; Congenital anomalies of the kidney and urinary tract. Identifiers: Orphanet 93545, MedGen C1968949, MeSH C566906, MONDO:0019719.
Inborn genetic diseases. Identifiers: MedGen C0950123, MeSH D030342.

Allele frequency attached by ClinVar (database versions not stated): gnomAD exomes 0.00001; TOPMed 0.00001.
gnomAD v4.1: 7 of 1,613,980 alleles (0.00043%); highest among the groups gnomAD compares: Non-Finnish European, 0.00059%; no homozygotes.

Submissions (3):

Ambry Genetics
Classification: Uncertain significance for Inborn genetic diseases. Last evaluated: 2023-02-06. Review status: criteria provided, single submitter. Criteria: Ambry Variant Classification Scheme 2023. Collection method: clinical testing. Allele origin: germline.

Sydney Genome Diagnostics, Children's Hospital Westmead
Classification: Uncertain significance for Congenital anomaly of kidney and urinary tract. Last evaluated: 2018-11-22. Review status: no assertion criteria provided. Collection method: clinical testing. Allele origin: unknown. Affected: yes. Observed: 1 variant allele, 1 heterozygote. Not counted in ClinVar's aggregate classification.
Comment: The variant has not been reported in any population databases (i.e. gnomAD, ExAC, ESP or dbSNP). To our knowledge, this variant has not been previously reported in the literature or any disease specific databases. In silico analysis of pathogenicity (through Alamut Visual v2.8.1) using PolyPhen2, SIFT and MutationTaster suggest that this variant is likely to be pathogenic. This variant is considered to be a variant of uncertain clinical significance (VOUS) according to the ACMG guidelines (Evidence used: PM2, PP3).

Gharavi Laboratory, Columbia University
Classification: Uncertain significance. Last evaluated: 2018-09-16. Review status: no assertion criteria provided. Criteria: ACMG Guidelines, 2015. Collection method: research. Allele origin: germline. Affected: yes. Not counted in ClinVar's aggregate classification.

NM_025074.7(FRAS1):c.1867T>C (p.Cys623Arg)

Gene: FRAS1 (Fraser extracellular matrix complex subunit 1; plus strand). Cytogenetic location: 4q21.21.
Variant type: single nucleotide variant.
Coding change: c.1867T>C on transcript NM_025074.7 (MANE Select); coding-DNA position 1867, T replaced by C.
Protein change: p.Cys623Arg; replaces cysteine 623 with arginine.
Molecular consequence: missense variant.
Genome position (GRCh38, 1-based): chr4:78,317,415, T>C. VCF-style: chr4-78317415-T-C. GRCh37 (hg19) VCF-style: chr4-79238569-T-C.
Other names: c.1867T>C, p.Cys623Arg (NM_001166133.2); short protein forms C623R.
Identifiers: ClinVar variation 591038 (VCV000591038.5), dbSNP rs1560650709, ClinGen allele CA357368211.